The following is an entry in ClinVar:

ClinVar aggregate classification (germline): Uncertain significance (1 of 4 stars; one submission).

Conditions:
Hereditary cancer-predisposing syndrome. Also called: Hereditary Cancer Syndrome; Tumor predisposition; Hereditary neoplastic syndrome; Neoplastic Syndromes, Hereditary. Identifiers: Orphanet 140162, MedGen C0027672, MeSH D009386, MONDO:0015356.

Submission:

Ambry Genetics
Classification: Uncertain significance for Hereditary cancer-predisposing syndrome. Last evaluated: 2024-07-28. Review status: criteria provided, single submitter. Criteria: Ambry Variant Classification Scheme 2023. Collection method: clinical testing. Allele origin: germline.
Comment: The p.H826R variant (also known as c.2477A>G), located in coding exon 18 of the MSH3 gene, results from an A to G substitution at nucleotide position 2477. The histidine at codon 826 is replaced by arginine, an amino acid with highly similar properties. This amino acid position is conserved. In addition, this alteration is predicted to be tolerated by in silico analysis. Based on the available evidence, the clinical significance of this variant remains unclear.

NM_002439.5(MSH3):c.2477A>G (p.His826Arg)

Gene: MSH3 (mutS homolog 3; plus strand). Cytogenetic location: 5q14.1.
Variant type: single nucleotide variant.
Coding change: c.2477A>G on transcript NM_002439.5 (MANE Select); coding-DNA position 2477, A replaced by G.
Protein change: p.His826Arg; replaces histidine 826 with arginine.
Molecular consequence: missense variant.
Genome position (GRCh38, 1-based): chr5:80,787,606, A>G. VCF-style: chr5-80787606-A-G. GRCh37 (hg19) VCF-style: chr5-80083425-A-G.
Other names: short protein forms H826R.
Identifiers: ClinVar variation 3398700 (VCV003398700.1).